The following is an entry in ClinVar:

ClinVar aggregate classification (germline): Likely benign (1 of 4 stars; one submission).

gnomAD v4.1: 27 of 1,614,178 alleles (0.0017%); highest among the groups gnomAD compares: South Asian, 0.024%; no homozygotes.

Submission:

CeGaT Center for Human Genetics Tuebingen
Classification: Likely benign. Last evaluated: 2025-03-01. Review status: criteria provided, single submitter. Criteria: CeGaT Center For Human Genetics Tuebingen Variant Classification Criteria Version 2. Collection method: clinical testing. Allele origin: germline. Affected: yes. Observed: 3 variant alleles.
Comment: AFG3L2: BP4, BP7

NM_006796.3(AFG3L2):c.1398G>C (p.Pro466=)

Gene: AFG3L2 (AFG3 like matrix AAA peptidase subunit 2; minus strand). Cytogenetic location: 18p11.21.
Variant type: single nucleotide variant.
Coding change: c.1398G>C on transcript NM_006796.3 (MANE Select); coding-DNA position 1398, G replaced by C.
Protein change: p.Pro466=; no amino-acid change (proline 466 retained).
Molecular consequence: synonymous variant.
Genome position (GRCh38, 1-based): chr18:12,351,334, C>G on the plus strand (G>C on the coding strand, the complement: AFG3L2 is on the minus strand). VCF-style: chr18-12351334-C-G. GRCh37 (hg19) VCF-style: chr18-12351333-C-G.
Identifiers: ClinVar variation 3388585 (VCV003388585.14).